The following is an entry in ClinVar:

NM_020693.4(DSCAML1):c.5641C>T (p.Arg1881Trp)

Gene: DSCAML1 (DS cell adhesion molecule like 1; minus strand). Cytogenetic location: 11q23.3.
Variant type: single nucleotide variant.
Coding change: c.5641C>T on transcript NM_020693.4 (MANE Select); coding-DNA position 5641, C replaced by T.
Protein change: p.Arg1881Trp; replaces arginine 1881 with tryptophan.
Molecular consequence: missense variant.
Genome position (GRCh38, 1-based): chr11:117,430,767, G>A on the plus strand (C>T on the coding strand, the complement: DSCAML1 is on the minus strand). VCF-style: chr11-117430767-G-A. GRCh37 (hg19) VCF-style: chr11-117301483-G-A.
Other names: c.5821C>T (NM_020693.2); short protein forms R1881W.
Identifiers: ClinVar variation 1922290 (VCV001922290.6), dbSNP rs138436571, ClinGen allele CA6296026.
Genomic context (GRCh38, chr11:117,430,767, plus strand): 5'-GGTCTGAGCACTCACTCTTGTTGGCCCGGTGAGGGATGGGCACAGCCACGTTTTTGCCCC[G>A]GTCCGCATCCTGGGGCTTGGGTGGTGAGGCGGTAAAGCGGCAGATGCCAGGCTCTGAGGG-3'
Protein context (NP_065744.3, residues 1871-1891): ASPPKPQDAD[Arg1881Trp]GKNVAVPIPH

ClinVar aggregate classification (germline): Uncertain significance. Review status: criteria provided, multiple submitters, no conflicts (2 of 4 stars). 2 submissions from 2 submitters: Uncertain significance (2). Last evaluated 2024-11-24.

Allele frequency attached by ClinVar (database versions not stated): gnomAD exomes 0.00003; TOPMed 0.00004; ESP Exome Variant Server 0.00015.
gnomAD v4.1: 46 of 1,613,932 alleles (0.0029%); highest among the groups gnomAD compares: African/African-American, 0.0067%; no homozygotes.

Submissions (2):

Ambry Genetics
Classification: Uncertain significance. Last evaluated: 2024-11-24. Review status: criteria provided, single submitter. Criteria: Ambry Variant Classification Scheme 2023. Collection method: clinical testing. Allele origin: germline.

Labcorp Genetics (formerly Invitae), Labcorp
Classification: Uncertain significance. Last evaluated: 2022-10-24. Review status: criteria provided, single submitter. Criteria: Invitae Variant Classification Sherloc (09022015). Collection method: clinical testing. Allele origin: germline.
Comment: This sequence change replaces arginine, which is basic and polar, with tryptophan, which is neutral and slightly polar, at codon 1941 of the DSCAML1 protein (p.Arg1941Trp). This variant is present in population databases (rs138436571, gnomAD 0.01%). This variant has not been reported in the literature in individuals affected with DSCAML1-related conditions. Algorithms developed to predict the effect of missense changes on protein structure and function are either unavailable or do not agree on the potential impact of this missense change (SIFT: "Deleterious"; PolyPhen-2: "Probably Damaging"; Align-GVGD: "Class C0"). In summary, the available evidence is currently insufficient to determine the role of this variant in disease. Therefore, it has been classified as a Variant of Uncertain Significance.